The following is an entry in ClinVar:

NM_032802.4(SPPL2A):c.348_350del (p.Asn117del)

Gene: SPPL2A (signal peptide peptidase like 2A; minus strand). Cytogenetic location: 15q21.2.
Variant type: Deletion.
Coding change: c.348_350del on transcript NM_032802.4 (MANE Select); coding-DNA positions 348 to 350, 3 bases deleted (TAA; older notation c.348_350delTAA).
Protein change: p.Asn117del; deletes asparagine 117.
Molecular consequence: inframe deletion.
Genome position (GRCh38, 1-based): chr15:50,748,698-50,748,700, TTA deleted on the plus strand (TAA on the coding strand, the reverse complement: SPPL2A is on the minus strand); deleting any 3 consecutive bases within chr15:50,748,698-50,748,702 gives the same sequence; the c. name uses the placement nearest the transcript's 3' end. VCF-style (leftmost placement, unchanged base first): chr15-50748697-GTTA-G. GRCh37 (hg19) VCF-style: chr15-51040894-GTTA-G.
Other names: short protein forms N117del.
Identifiers: ClinVar variation 1373901 (VCV001373901.6), dbSNP rs2141052062, ClinGen allele CA2573150986.

ClinVar aggregate classification (germline): Uncertain significance (1 of 4 stars; one submission).

Submission:

Labcorp Genetics (formerly Invitae), Labcorp
Classification: Uncertain significance. Last evaluated: 2021-11-10. Review status: criteria provided, single submitter. Criteria: Invitae Variant Classification Sherloc (09022015). Collection method: clinical testing. Allele origin: germline.
Comment: This variant, c.348_350del, results in the deletion of 1 amino acid(s) of the SPPL2A protein (p.Asn117del), but otherwise preserves the integrity of the reading frame. This variant is not present in population databases (gnomAD no frequency). This variant has not been reported in the literature in individuals affected with SPPL2A-related conditions. Experimental studies and prediction algorithms are not available or were not evaluated, and the functional significance of this variant is currently unknown. In summary, the available evidence is currently insufficient to determine the role of this variant in disease. Therefore, it has been classified as a Variant of Uncertain Significance.